The following is an entry in ClinVar:

NM_024656.4(COLGALT1):c.251C>T (p.Thr84Met)

Gene: COLGALT1 (collagen beta(1-O)galactosyltransferase 1; plus strand). Cytogenetic location: 19p13.11.
Variant type: single nucleotide variant.
Coding change: c.251C>T on transcript NM_024656.4 (MANE Select); coding-DNA position 251, C replaced by T.
Protein change: p.Thr84Met; replaces threonine 84 with methionine.
Molecular consequence: missense variant.
Genome position (GRCh38, 1-based): chr19:17,555,964, C>T. VCF-style: chr19-17555964-C-T. GRCh37 (hg19) VCF-style: chr19-17666773-C-T.
Other names: short protein forms T84M.
Identifiers: ClinVar variation 3147876 (VCV003147876.3), dbSNP rs990071220, ClinGen allele CA306084698.

ClinVar aggregate classification (germline): Uncertain significance. Review status: criteria provided, multiple submitters, no conflicts (2 of 4 stars). 2 submissions from 2 submitters: Uncertain significance (2). Last evaluated 2025-01-12.

Conditions:
Inborn genetic diseases. Identifiers: MedGen C0950123, MeSH D030342.

Allele frequency attached by ClinVar (database versions not stated): TOPMed 0.00003; gnomAD 0.00004; gnomAD exomes 0.00004.
gnomAD v4.1: 56 of 1,377,028 alleles (0.0041%); highest among the groups gnomAD compares: Non-Finnish European, 0.0038%; no homozygotes.

Submissions (2):

Labcorp Genetics (formerly Invitae), Labcorp
Classification: Uncertain significance. Last evaluated: 2025-01-12. Review status: criteria provided, single submitter. Criteria: Invitae Variant Classification Sherloc (09022015). Collection method: clinical testing. Allele origin: germline.
Comment: This sequence change replaces threonine, which is neutral and polar, with methionine, which is neutral and non-polar, at codon 84 of the COLGALT1 protein (p.Thr84Met). The frequency data for this variant in the population databases is considered unreliable, as metrics indicate poor data quality at this position in the gnomAD database. This variant has not been reported in the literature in individuals affected with COLGALT1-related conditions. ClinVar contains an entry for this variant (Variation ID: 3147876). Invitae Evidence Modeling of protein sequence and biophysical properties (such as structural, functional, and spatial information, amino acid conservation, physicochemical variation, residue mobility, and thermodynamic stability) indicates that this missense variant is not expected to disrupt COLGALT1 protein function with a negative predictive value of 80%. In summary, the available evidence is currently insufficient to determine the role of this variant in disease. Therefore, it has been classified as a Variant of Uncertain Significance.

Ambry Genetics
Classification: Uncertain significance for Inborn genetic diseases. Last evaluated: 2023-12-12. Review status: criteria provided, single submitter. Criteria: Ambry Variant Classification Scheme 2023. Collection method: clinical testing. Allele origin: germline.